The following is an entry in ClinVar:

ClinVar aggregate classification (germline): Uncertain significance (1 of 4 stars; one submission).

gnomAD v4.1: 1 of 1,614,050 alleles (0.000062%); no homozygotes.

Submission:

GeneDx
Classification: Uncertain significance. Last evaluated: 2019-04-03. Review status: criteria provided, single submitter. Criteria: GeneDx Variant Classification Process June 2021. Collection method: clinical testing. Allele origin: germline. Affected: yes.
Comment: Not observed in large population cohorts (Lek et al., 2016); In silico analysis, which includes protein predictors and evolutionary conservation, supports a deleterious effect; Has not been previously published as pathogenic or benign to our knowledge; This substitution is predicted to be within the C-terminal cytoplasmic domain

NM_001040142.2(SCN2A):c.5456C>T (p.Ser1819Phe)

Gene: SCN2A (sodium voltage-gated channel alpha subunit 2; plus strand). Cytogenetic location: 2q24.3.
Variant type: single nucleotide variant.
Coding change: c.5456C>T on transcript NM_001040142.2 (MANE Select); coding-DNA position 5456, C replaced by T.
Protein change: p.Ser1819Phe; replaces serine 1819 with phenylalanine.
Molecular consequence: missense variant.
Genome position (GRCh38, 1-based): chr2:165,389,262, C>T. VCF-style: chr2-165389262-C-T. GRCh37 (hg19) VCF-style: chr2-166245772-C-T.
Other names: c.5456C>T, p.Ser1819Phe (NM_001040143.2, NM_001371246.1, NM_001371247.1 and 1 more transcripts); short protein forms S1819F.
Identifiers: ClinVar variation 1320953 (VCV001320953.2), dbSNP rs1354374353, ClinGen allele CA349039028.